The following is an entry in ClinVar:

ClinVar aggregate classification (germline): Uncertain significance (1 of 4 stars; one submission).

Conditions:
Norman-Roberts syndrome (LIS2). Also called: Lissencephaly 2 (Norman-Roberts type). Identifiers: Orphanet 89844, MedGen C0796089, MONDO:0009760, OMIM 257320.
Familial temporal lobe epilepsy 7. Identifiers: Orphanet 101046, MedGen C4225327, MONDO:0014639, OMIM 616436.

Allele frequency attached by ClinVar (database versions not stated): gnomAD exomes 0.00001.
gnomAD v4.1: 13 of 1,614,140 alleles (0.00081%); highest among the groups gnomAD compares: Non-Finnish European, 0.0011%; no homozygotes.

Submission:

Labcorp Genetics (formerly Invitae), Labcorp
Classification: Uncertain significance for Familial temporal lobe epilepsy 7; Norman-Roberts syndrome. Last evaluated: 2022-12-06. Review status: criteria provided, single submitter. Criteria: Invitae Variant Classification Sherloc (09022015). Collection method: clinical testing. Allele origin: germline.
Comment: This variant is not present in population databases (gnomAD no frequency). This sequence change replaces valine, which is neutral and non-polar, with alanine, which is neutral and non-polar, at codon 188 of the RELN protein (p.Val188Ala). This variant has not been reported in the literature in individuals affected with RELN-related conditions. In summary, the available evidence is currently insufficient to determine the role of this variant in disease. Therefore, it has been classified as a Variant of Uncertain Significance. Advanced modeling of protein sequence and biophysical properties (such as structural, functional, and spatial information, amino acid conservation, physicochemical variation, residue mobility, and thermodynamic stability) performed at Invitae indicates that this missense variant is not expected to disrupt RELN protein function.

NM_005045.4(RELN):c.563T>C (p.Val188Ala)

Gene: RELN (reelin; minus strand). Cytogenetic location: 7q22.1.
Variant type: single nucleotide variant.
Coding change: c.563T>C on transcript NM_005045.4 (MANE Select); coding-DNA position 563, T replaced by C.
Protein change: p.Val188Ala; replaces valine 188 with alanine.
Molecular consequence: missense variant.
Genome position (GRCh38, 1-based): chr7:103,753,196, A>G on the plus strand (T>C on the coding strand, the complement: RELN is on the minus strand). VCF-style: chr7-103753196-A-G. GRCh37 (hg19) VCF-style: chr7-103393643-A-G.
Other names: c.563T>C, p.Val188Ala (NM_173054.3); short protein forms V188A.
Identifiers: ClinVar variation 2932364 (VCV002932364.3), dbSNP rs2485065228, ClinGen allele CA368930418.